The following is an entry in ClinVar:

ClinVar aggregate classification (germline): Likely benign (0 of 4 stars; one submission).

Conditions:
RPS6KA3-related disorder. Also called: RPS6KA3-related condition.

gnomAD v4.1: 21 of 1,009,070 alleles (0.0021%); highest among the groups gnomAD compares: Non-Finnish European, 0.0028%; no homozygotes.

Submission:

PreventionGenetics, part of Exact Sciences
Classification: Likely benign for RPS6KA3-related condition. Last evaluated: 2024-07-17. Review status: no assertion criteria provided. Collection method: clinical testing. Allele origin: germline.
Comment: This variant is classified as likely benign based on ACMG/AMP sequence variant interpretation guidelines (Richards et al. 2015 PMID: 25741868, with internal and published modifications).

NM_004586.3(RPS6KA3):c.630A>G (p.Thr210=)

Gene: RPS6KA3 (ribosomal protein S6 kinase A3; minus strand). Cytogenetic location: Xp22.12.
Variant type: single nucleotide variant.
Coding change: c.630A>G on transcript NM_004586.3 (MANE Select); coding-DNA position 630, A replaced by G.
Protein change: p.Thr210=; no amino-acid change (threonine 210 retained).
Molecular consequence: synonymous variant.
Genome position (GRCh38, 1-based): chrX:20,188,498, T>C on the plus strand (A>G on the coding strand, the complement: RPS6KA3 is on the minus strand). VCF-style: chrX-20188498-T-C. GRCh37 (hg19) VCF-style: chrX-20206616-T-C.
Identifiers: ClinVar variation 3349941 (VCV003349941.1).